The following is an entry in ClinVar:

NM_000298.6(PKLR):c.65A>T (p.Asp22Val)

Gene: PKLR (pyruvate kinase L/R; minus strand). Cytogenetic location: 1q22.
Variant type: single nucleotide variant.
Coding change: c.65A>T on transcript NM_000298.6 (MANE Select); coding-DNA position 65, A replaced by T.
Protein change: p.Asp22Val; replaces aspartic acid 22 with valine.
Molecular consequence: missense variant.
Genome position (GRCh38, 1-based): chr1:155,301,331, T>A on the plus strand (A>T on the coding strand, the complement: PKLR is on the minus strand). VCF-style: chr1-155301331-T-A. GRCh37 (hg19) VCF-style: chr1-155271122-T-A.
Other names: short protein forms D22V.
Identifiers: ClinVar variation 4774196 (VCV004774196.1).

ClinVar aggregate classification (germline): Uncertain significance (1 of 4 stars; one submission).

gnomAD v4.1: 9 of 1,614,064 alleles (0.00056%); highest among the groups gnomAD compares: African/African-American, 0.0013%; no homozygotes.

Submission:

Labcorp Genetics (formerly Invitae), Labcorp
Classification: Uncertain significance. Last evaluated: 2025-09-28. Review status: criteria provided, single submitter. Criteria: Invitae Variant Classification Sherloc (09022015). Collection method: clinical testing. Allele origin: germline.
Comment: This sequence change replaces aspartic acid, which is acidic and polar, with valine, which is neutral and non-polar, at codon 22 of the PKLR protein (p.Asp22Val). This variant is not present in population databases (gnomAD no frequency). This variant has not been reported in the literature in individuals affected with PKLR-related conditions. An algorithm developed to predict the effect of missense changes on protein structure and function (PolyPhen-2) suggests that this variant is likely to be tolerated. In summary, the available evidence is currently insufficient to determine the role of this variant in disease. Therefore, it has been classified as a Variant of Uncertain Significance.